The following is an entry in ClinVar:

NM_014009.4(FOXP3):c.-23+2877=

Gene: FOXP3 (forkhead box P3; minus strand). Cytogenetic location: Xp11.23.
Variant type: single nucleotide variant.
Coding change: c.-23+2877= on transcript NM_014009.4 (MANE Select); 2877 bases into the intron after 23 bases upstream of the start codon, no change from the reference sequence.
Molecular consequence: intron variant.
Genome position: GRCh38 VCF-style: chrX-49261784-G-G. GRCh37 (hg19) VCF-style: chrX-49118241-T-G.
Other names: c.-23+2877= (NM_001114377.2).
Identifiers: ClinVar variation 1283592 (VCV001283592.1), dbSNP rs3761548.

ClinVar aggregate classification (germline): Benign (1 of 4 stars; one submission).

Allele frequency attached by ClinVar (database versions not stated): TOPMed 0.69300; 1000 Genomes Project 30x 0.76483.

Submission:

GeneDx
Classification: Benign. Last evaluated: 2020-10-29. Review status: criteria provided, single submitter. Criteria: GeneDx Variant Classification Process June 2021. Collection method: clinical testing. Allele origin: germline. Affected: yes.
Comment: This variant is associated with the following publications: (PMID: 24035934, 22809231, 23582052, 21876709, 20942809)